The following is an entry in ClinVar:

NM_001375808.2(LPIN2):c.497G>A (p.Ser166Asn)

Gene: LPIN2 (lipin 2; minus strand). Cytogenetic location: 18p11.31.
Variant type: single nucleotide variant.
Coding change: c.497G>A on transcript NM_001375808.2 (MANE Select); coding-DNA position 497, G replaced by A.
Protein change: p.Ser166Asn; replaces serine 166 with asparagine.
Molecular consequence: missense variant.
Genome position (GRCh38, 1-based): chr18:2,951,148, C>T on the plus strand (G>A on the coding strand, the complement: LPIN2 is on the minus strand). VCF-style: chr18-2951148-C-T. GRCh37 (hg19) VCF-style: chr18-2951146-C-T.
Other names: c.497G>A, p.Ser166Asn (NM_001375809.1, NM_014646.2); short protein forms S166N.
Identifiers: ClinVar variation 4976032 (VCV004976032.1).

ClinVar aggregate classification (germline): Uncertain significance (1 of 4 stars; one submission).

gnomAD v4.1: 1 of 1,614,226 alleles (0.000062%); highest among the groups gnomAD compares: African/African-American, 0.0013%; no homozygotes.

Submission:

GeneDx
Classification: Uncertain significance. Last evaluated: 2026-02-02. Review status: criteria provided, single submitter. Criteria: GeneDx Variant Classification Process June 2021. Collection method: clinical testing. Allele origin: germline.
Comment: Not observed at significant frequency in large population cohorts (gnomAD); In silico analysis suggests that this missense variant does not alter protein structure/function; Has not been previously published as pathogenic or benign to our knowledge